The following is an entry in ClinVar:

ClinVar aggregate classification (germline): Benign (1 of 4 stars; one submission).

Allele frequency attached by ClinVar (database versions not stated): gnomAD exomes 0.00003 and 0.00005; gnomAD 0.00005; ExAC 0.00007; TOPMed 0.00008.
gnomAD v4.1: 47 of 1,594,604 alleles (0.0029%); highest among the groups gnomAD compares: African/African-American, 0.011%; no homozygotes.

Submission:

GeneDx
Classification: Benign. Last evaluated: 2020-11-04. Review status: criteria provided, single submitter. Criteria: GeneDx Variant Classification Process June 2021. Collection method: clinical testing. Allele origin: germline. Affected: yes.
Comment: Has not been previously published as pathogenic or benign to our knowledge; In-silico analysis, which includes splice predictors and evolutionary conservation, is inconclusive as to whether the variant alters gene splicing. In the absence of RNA/functional studies, the actual effect of this sequence change is unknown.

NM_001303052.2(MYT1L):c.1659G>A (p.Pro553=)

Gene: MYT1L (myelin transcription factor 1 like; minus strand). Cytogenetic location: 2p25.3.
Variant type: single nucleotide variant.
Coding change: c.1659G>A on transcript NM_001303052.2 (MANE Select); coding-DNA position 1659, G replaced by A.
Protein change: p.Pro553=; no amino-acid change (proline 553 retained).
Molecular consequence: synonymous variant.
Genome position (GRCh38, 1-based): chr2:1,912,070, C>T on the plus strand (G>A on the coding strand, the complement: MYT1L is on the minus strand). VCF-style: chr2-1912070-C-T. GRCh37 (hg19) VCF-style: chr2-1915842-C-T.
Other names: c.1659G>A, p.Pro553= (NM_001329844.2, NM_001329845.1, NM_001329851.3); c.1653G>A, p.Pro551= (NM_001329846.3, NM_001329847.2, NM_001329848.1 and 3 more transcripts).
Identifiers: ClinVar variation 1268021 (VCV001268021.2), dbSNP rs747015913, ClinGen allele CA1514184.